The following is an entry in ClinVar:

NM_001394062.1(MACF1):c.1718G>C (p.Ser573Thr)

Gene: MACF1 (microtubule actin crosslinking factor 1; plus strand). Cytogenetic location: 1p34.3.
Variant type: single nucleotide variant.
Coding change: c.1718G>C on transcript NM_001394062.1 (MANE Select); coding-DNA position 1718, G replaced by C.
Protein change: p.Ser573Thr; replaces serine 573 with threonine.
Molecular consequence: missense variant.
Genome position (GRCh38, 1-based): chr1:39,287,495, G>C. VCF-style: chr1-39287495-G-C. GRCh37 (hg19) VCF-style: chr1-39753167-G-C.
Other names: c.1733G>C, p.Ser578Thr (NM_012090.5); short protein forms S573T, S578T.
Identifiers: ClinVar variation 2506674 (VCV002506674.1), dbSNP rs2521408634, ClinGen allele CA339762560.

ClinVar aggregate classification (germline): Uncertain significance (1 of 4 stars; one submission).

Submission:

GeneDx
Classification: Uncertain significance. Last evaluated: 2022-12-20. Review status: criteria provided, single submitter. Criteria: GeneDx Variant Classification Process June 2021. Collection method: clinical testing. Allele origin: germline. Affected: yes.
Comment: Not observed at significant frequency in large population cohorts (gnomAD); In silico analysis supports that this missense variant does not alter protein structure/function; Has not been previously published as pathogenic or benign to our knowledge